The following is an entry in ClinVar:

NM_001136472.2(LITAF):c.45A>G (p.Ser15=)

Gene: LITAF (lipopolysaccharide induced TNF factor; minus strand). Cytogenetic location: 16p13.13.
Variant type: single nucleotide variant.
Coding change: c.45A>G on transcript NM_001136472.2 (MANE Select); coding-DNA position 45, A replaced by G.
Protein change: p.Ser15=; no amino-acid change (serine 15 retained).
Molecular consequence: synonymous variant. On other transcripts: non-coding transcript variant (1).
Genome position (GRCh38, 1-based): chr16:11,556,686, T>C on the plus strand (A>G on the coding strand, the complement: LITAF is on the minus strand). VCF-style: chr16-11556686-T-C. GRCh37 (hg19) VCF-style: chr16-11650542-T-C.
Other names: c.45A>G, p.Ser15= (NM_001136473.1, NM_004862.4).
Identifiers: ClinVar variation 381079 (VCV000381079.15), dbSNP rs112192052, ClinGen allele CA7904195.
Genomic context (GRCh38, chr16:11,556,686, plus strand): 5'-TGTGGGGTAATAACTGTTAACAGCCACTGTCTCTTCATAGGATGGAGGTGCGGATGGTGC[T>C]GAGGAAGGCCCAGTGGCCGCCTGGTAAGGTCCTGGAACCGACATTTTACCTAAAACAGAA-3'
Protein context (NP_001129944.1, residues 5-25): GPYQAATGPS[Ser15=]APSAPPSYEE

ClinVar aggregate classification (germline): Likely benign. Review status: criteria provided, multiple submitters, no conflicts (2 of 4 stars). 4 submissions from 4 submitters: Likely benign (4). Last evaluated 2024-11-26.

Conditions:
Inborn genetic diseases. Identifiers: MedGen C0950123, MeSH D030342.
Charcot-Marie-Tooth disease type 1C. Also called: CMT, SLOW NERVE CONDUCTION TYPE C; CHARCOT-MARIE-TOOTH NEUROPATHY, TYPE 1C; NEUROPATHY, HEREDITARY MOTOR AND SENSORY, TYPE IC; CHARCOT-MARIE-TOOTH DISEASE, DEMYELINATING, TYPE 1C; Charcot-Marie-Tooth disease, type IC; HMSN IC. Identifiers: Orphanet 101083, MedGen C0270913, MONDO:0010995, OMIM 601098.

Allele frequency attached by ClinVar (database versions not stated): ExAC 0.00002; gnomAD exomes 0.00002 and 0.00003; TOPMed 0.00003; gnomAD 0.00006 and 0.00007; ESP Exome Variant Server 0.00015; 1000 Genomes Project 30x 0.00016; 1000 Genomes Project 0.00020.
gnomAD v4.1: 58 of 1,614,198 alleles (0.0036%); highest among the groups gnomAD compares: Middle Eastern, 0.36%; 1 homozygote.

Submissions (4):

Blueprint Genetics
Classification: Likely benign. Last evaluated: 2024-11-26. Review status: criteria provided, single submitter. Criteria: ACMG Guidelines, 2015. Collection method: clinical testing. Allele origin: germline.

Labcorp Genetics (formerly Invitae), Labcorp
Classification: Likely benign for Charcot-Marie-Tooth disease type 1C. Last evaluated: 2024-11-05. Review status: criteria provided, single submitter. Criteria: Invitae Variant Classification Sherloc (09022015). Collection method: clinical testing. Allele origin: germline.

Ambry Genetics
Classification: Likely benign for Inborn genetic diseases. Last evaluated: 2019-07-11. Review status: criteria provided, single submitter. Criteria: Ambry Variant Classification Scheme 2023. Collection method: clinical testing. Allele origin: germline.

GeneDx
Classification: Likely benign. Last evaluated: 2015-11-09. Review status: criteria provided, single submitter. Criteria: GeneDx Variant Classification (06012015). Collection method: clinical testing. Allele origin: germline. Affected: yes.
Comment: This variant is considered likely benign or benign based on one or more of the following criteria: it is a conservative change, it occurs at a poorly conserved position in the protein, it is predicted to be benign by multiple in silico algorithms, and/or has population frequency not consistent with disease.